The following is an entry in ClinVar:

NC_000011.10:g.(?_112088857)_(112094980_?)del

Gene: SDHD (succinate dehydrogenase complex subunit D; plus strand). Cytogenetic location: 11q23.1.
Variant type: Deletion.
Identifiers: ClinVar variation 583435 (VCV000583435.1).

ClinVar aggregate classification (germline): Pathogenic (1 of 4 stars; one submission).

Conditions:
Carney-Stratakis syndrome. Also called: PARAGANGLIOMA AND GASTROINTESTINAL STROMAL TUMOR. Identifiers: Orphanet 97286, MedGen C1847319, MONDO:0011740, OMIM 606864.
Cowden syndrome 3 (CWS3). Identifiers: Orphanet 201, MedGen CN166604, MONDO:0014045.
Pheochromocytoma. Also called: MAX-Related Hereditary Paraganglioma-Pheochromocytoma Syndrome. Identifiers: Orphanet 29072, MedGen C0031511, MONDO:0008233, OMIM 171300, HP:0002666.
Pheochromocytoma/paraganglioma syndrome 1. Also called: PARAGANGLIOMAS, FAMILIAL NONCHROMAFFIN, 1; PGL 1; Paragangliomas familial 1; SDHD-Related Hereditary Paraganglioma-Pheochromocytoma Syndrome; Paragangliomas 1; Glomus tumors familial 1. Identifiers: Orphanet 29072, MedGen C3494181, MONDO:0008192, OMIM 168000.

Submission:

Labcorp Genetics (formerly Invitae), Labcorp
Classification: Pathogenic for Paraganglioma and gastric stromal sarcoma; Paragangliomas 1; Pheochromocytoma; Cowden syndrome 3. Last evaluated: 2018-04-13. Review status: criteria provided, single submitter. Criteria: Invitae Variant Classification Sherloc (09022015). Collection method: clinical testing. Allele origin: germline.
Comment: This variant is a gross deletion of the genomic region encompassing exons 3-4 of the SDHD gene. The 5' boundary is likely confined to intron 2. The 3' end of this event is unknown as it extends through the termination codon beyond the assayed region for this gene and may encompass additional genes. While this deletion is not anticipated to result in nonsense mediated decay, it is expected to create a truncated protein product or disrupt mRNA translation. Deletion of exons 3-4Â¬â€ has been reported in individuals affected withÂ¬â€ head and neck paragangliomas (PMID: 19351833). Deletions of exon 4 have been reported in individuals and families affectedÂ¬â€ with paragangliomas and have been determined to be pathogenic (PMID: 19454582, 20111059, 22382802,Â¬â€ 11897817, 25720320,Â¬â€ Invitae).Â¬â€ This suggests that this region is critical for SDHD protein function and deletions that fully encompass this regionÂ¬â€ may also be pathogenic. For these reasons, this variant has been classified as Pathogenic.

Literature cited by the submitters: PubMed 19454582; PubMed 20111059; PubMed 22382802; PubMed 19351833.